The following is an entry in ClinVar:

ClinVar aggregate classification (germline): Uncertain significance (1 of 4 stars; one submission).

Conditions:
Hereditary cancer-predisposing syndrome. Also called: Tumor predisposition; Neoplastic Syndromes, Hereditary; Hereditary Cancer Syndrome; Hereditary neoplastic syndrome. Identifiers: Orphanet 140162, MedGen C0027672, MeSH D009386, MONDO:0015356.

Submission:

Ambry Genetics
Classification: Uncertain significance for Hereditary cancer-predisposing syndrome. Last evaluated: 2024-11-08. Review status: criteria provided, single submitter. Criteria: Ambry Variant Classification Scheme 2023. Collection method: clinical testing. Allele origin: germline.
Comment: The p.R211G variant (also known as c.631A>G), located in coding exon 5 of the CTNNA1 gene, results from an A to G substitution at nucleotide position 631. The arginine at codon 211 is replaced by glycine, an amino acid with dissimilar properties. This amino acid position is conserved. In addition, this alteration is predicted to be deleterious by in silico analysis. Based on the available evidence, the clinical significance of this variant remains unclear.

NM_001903.5(CTNNA1):c.631A>G (p.Arg211Gly)

Gene: CTNNA1 (catenin alpha 1; plus strand). Cytogenetic location: 5q31.2.
Variant type: single nucleotide variant.
Coding change: c.631A>G on transcript NM_001903.5 (MANE Select); coding-DNA position 631, A replaced by G.
Protein change: p.Arg211Gly; replaces arginine 211 with glycine.
Molecular consequence: missense variant.
Genome position (GRCh38, 1-based): chr5:138,824,572, A>G. VCF-style: chr5-138824572-A-G. GRCh37 (hg19) VCF-style: chr5-138160261-A-G.
Other names: c.631A>G, p.Arg211Gly (NM_001290307.3, NM_001323982.2, NM_001323983.1 and 3 more transcripts); c.322A>G, p.Arg108Gly (NM_001290309.3); c.262A>G, p.Arg88Gly (NM_001290310.3); short protein forms R211G, R108G, R88G.
Identifiers: ClinVar variation 3498263 (VCV003498263.1).